The following is an entry in ClinVar:

NM_016529.6(ATP8A2):c.709del (p.Thr237fs)

Gene: ATP8A2 (ATPase phospholipid transporting 8A2). Cytogenetic location: 13q12.13.
Variant type: Deletion.
Coding change: c.709del on transcript NM_016529.6 (MANE Select); coding-DNA position 709, one base deleted.
Protein change: p.Thr237fs; shifts the reading frame from threonine 237.
Molecular consequence: frameshift variant.
Genome position: GRCh38 VCF-style: chr13-25541974-GA-G. GRCh37 (hg19) VCF-style: chr13-26116112-GA-G.
Other names: c.589del, p.Thr197fs (NM_001313741.1); short protein forms T197fs, T237fs.
Identifiers: ClinVar variation 1526029 (VCV001526029.2), dbSNP rs2137994737, ClinGen allele CA2573149181.

ClinVar aggregate classification (germline): Pathogenic. Review status: criteria provided, single submitter (1 of 4 stars). 2 submissions from 2 submitters: Pathogenic (1). 1 of the submissions does not count toward it. Last evaluated 2022-03-22.

Conditions:
Cerebellar ataxia, impaired intellectual development, and dysequilibrium syndrome 4. Also called: Cerebellar ataxia, intellectual disability, and dysequilibrium syndrome 4; CEREBELLAR ATAXIA AND MENTAL RETARDATION WITH OR WITHOUT QUADRUPEDAL LOCOMOTION 4; Cerebellar ataxia, mental retardation, and dysequilibrium syndrome 4. Identifiers: Orphanet 1766, MedGen C3808977, MONDO:0014104, OMIM 615268.

Submissions (2):

3billion
Classification: Pathogenic for Cerebellar ataxia, impaired intellectual development, and dysequilibrium syndrome 4. Last evaluated: 2022-03-22. Review status: criteria provided, single submitter. Criteria: ACMG Guidelines, 2015. Collection method: clinical testing. Allele origin: germline. Affected: yes. Observed: 1 homozygote.
Comment: Frameshift: predicted to result in a loss or disruption of normal protein function through nonsense-mediated decay (NMD) or protein truncation. Multiple pathogenic variants are reported downstream of the variant.It is not observed in the gnomAD v2.1.1 dataset. Therefore, this variant is classified as pathogenic according to the recommendation of ACMG/AMP guideline.

Hong-Tao Li Lab, Institute of Brain Science and Brain-inspired Research, Shandong First Medical University & Shandong Academy of Medical Sciences China
Classification: Pathogenic for Cerebellar ataxia, impaired intellectual development, and dysequilibrium syndrome 4. Review status: no assertion criteria provided. Collection method: research. Allele origin: germline. Inheritance: Autosomal recessive inheritance. Affected: yes. Observed: 1 variant allele, 1 homozygote. Not counted in ClinVar's aggregate classification.
Comment: Observed in affected individuals from a Pakistani neurodevelopmental-disorder research cohort of 263 individuals. Classification assigned using the ACMG/AMP framework.